The following is an entry in ClinVar:

ClinVar aggregate classification (germline): Uncertain significance (1 of 4 stars; one submission).

Conditions:
Hereditary nonpolyposis colorectal neoplasms. Identifiers: MedGen C0009405, MeSH D003123.

Submission:

Labcorp Genetics (formerly Invitae), Labcorp
Classification: Uncertain significance for Hereditary nonpolyposis colorectal neoplasms. Last evaluated: 2024-02-26. Review status: criteria provided, single submitter. Criteria: Invitae Variant Classification Sherloc (09022015). Collection method: clinical testing. Allele origin: germline.
Comment: This sequence change replaces glycine, which is neutral and non-polar, with valine, which is neutral and non-polar, at codon 819 of the PMS2 protein (p.Gly819Val). The frequency data for this variant in the population databases (gnomAD) is considered unreliable due to the presence of homologous sequence, such as pseudogenes or paralogs, in the genome. This variant has not been reported in the literature in individuals affected with PMS2-related conditions. ClinVar contains an entry for this variant (Variation ID: 2126700). Advanced modeling of protein sequence and biophysical properties (such as structural, functional, and spatial information, amino acid conservation, physicochemical variation, residue mobility, and thermodynamic stability) performed at Invitae indicates that this missense variant is expected to disrupt PMS2 protein function with a positive predictive value of 80%. In summary, the available evidence is currently insufficient to determine the role of this variant in disease. Therefore, it has been classified as a Variant of Uncertain Significance.

NM_000535.7(PMS2):c.2456G>T (p.Gly819Val)

Gene: PMS2 (PMS1 homolog 2, mismatch repair system component; minus strand). Cytogenetic location: 7p22.1.
Variant type: single nucleotide variant.
Coding change: c.2456G>T on transcript NM_000535.7 (MANE Select); coding-DNA position 2456, G replaced by T.
Protein change: p.Gly819Val; replaces glycine 819 with valine.
Molecular consequence: missense variant. On other transcripts: non-coding transcript variant (1).
Genome position (GRCh38, 1-based): chr7:5,973,532, C>A on the plus strand (G>T on the coding strand, the complement: PMS2 is on the minus strand). VCF-style: chr7-5973532-C-A. GRCh37 (hg19) VCF-style: chr7-6013163-C-A.
Other names: c.1523G>T, p.Gly508Val (NM_001322011.2, NM_001322012.2); c.1883G>T, p.Gly628Val (NM_001322013.2, NM_001406908.1, NM_001406909.1); c.2489G>T, p.Gly830Val (NM_001322014.2); c.2147G>T, p.Gly716Val (NM_001322015.2, NM_001406881.1, NM_001406882.1 and 4 more transcripts); c.2642G>T, p.Gly881Val (NM_001406866.1); c.2480G>T, p.Gly827Val (NM_001406868.1); c.2348G>T, p.Gly783Val (NM_001406869.1); c.2333G>T, p.Gly778Val (NM_001406870.1); and 20 more; short protein forms G697V, G707V, G753V, G771V, G783V, G827V, G664V, G684V.
Identifiers: ClinVar variation 2126700 (VCV002126700.4), dbSNP rs769718783, ClinGen allele CA366735022.